The following continues an entry in ClinVar:

NM_000402.4(G6PD):c.653C>T (p.Ser218Phe)

Gene: G6PD. ClinVar aggregate classification (germline): Pathogenic/Likely pathogenic. Pathogenic (50); Likely pathogenic (7).

Submissions 11 to 23 of 71:

Daryl Scott Lab, Baylor College of Medicine
Classification: Pathogenic for Anemia, nonspherocytic hemolytic, due to G6PD deficiency. Last evaluated: 2025-08-25. Review status: criteria provided, single submitter. Criteria: ACMG Guidelines, 2015. Collection method: clinical testing. Allele origin: unknown. Affected: yes. Observed: 1 hemizygote.
Comment: PS3, PS4, PP1, PP3, PP4

Rady Children's Institute for Genomic Medicine, Rady Children's Hospital San Diego
Classification: Pathogenic for G6PD deficiency. Last evaluated: 2025-08-23. Review status: criteria provided, single submitter. Criteria: ACMG Guidelines, 2015. Collection method: clinical testing. Allele origin: germline. Affected: yes.
Comment: This variant is also known as c.653C>T (p.Ser218Phe) by legacy nomenclature. The c.563C>T (p.Ser188Phe) variant affects a moderately conserved amino acid and is predicted by multiple in silico tools to have a deleterious effect on protein function. This is a known Pathogenic variant that has been previously reported as a hemizygous change in patients with G6PD deficiency (PMID: 24586352, 12768444, 22906047). Functional studies demonstrate decreased enzyme activity in the circulating erythrocytes of individuals with this variant, increased affinity for G6P and decreased in vitro thermostability (PMID: 9342374, 3393536). The c.563C>T (p.Ser188Phe) variant is present in the latest version of the gnomAD population database at an allele frequency of 0.14% (1705/1209752), including 859 hemizygous individuals. Based on the available evidence, c.563C>T (p.Ser188Phe) is classified as Pathogenic.

Institute of Human Genetics Munich, TUM University Hospital
Classification: Pathogenic for Anemia, nonspherocytic hemolytic, due to G6PD deficiency. Last evaluated: 2025-07-15. Review status: criteria provided, single submitter. Criteria: Classification criteria August 2017. Collection method: clinical testing. Allele origin: germline. Inheritance: X-linked inheritance. Affected: yes. Observed: 2 variant alleles.

Immunogenetics and Transplant Biology Service, University Hospital "Città della Salute e della Scienza di Torino"
Classification: Likely pathogenic for Anemia, nonspherocytic hemolytic, due to G6PD deficiency. Last evaluated: 2025-06-28. Review status: criteria provided, single submitter. Criteria: ACMG Guidelines, 2015. Collection method: clinical testing. Allele origin: germline. Affected: yes.

Clinical Genetics Laboratory, University Hospital Schleswig-Holstein
Classification: Pathogenic for Anemia, nonspherocytic hemolytic, due to G6PD deficiency. Last evaluated: 2025-06-17. Review status: criteria provided, single submitter. Criteria: ACMG Guidelines, 2015. Collection method: clinical testing. Allele origin: germline. Affected: yes. Observed: 2 hemizygotes.
Comment: ACMG criteria applied: PS4, PP1_Strong, PS3_Moderate, PP4

ARUP Laboratories, Molecular Genetics and Genomics, ARUP Laboratories
Classification: Pathogenic. Last evaluated: 2025-06-12. Review status: criteria provided, single submitter. Criteria: ARUP Molecular Germline Variant Investigation Process 2024. Collection method: clinical testing. Allele origin: germline.
Comment: The G6PD c.563C>T; p.Ser188Phe variant (rs5030868), also known as G6PD Mediterranean, is reported in the literature in multiple individuals affected with hemolytic anemia, hyperbilirubinemia and G6PD deficiency (Hellani 2009, Jamornthanyawat 2014, Kaplan 1997, Moiz 2012, Molou 2014, Vulliamy 1988). Functional analyses of the variant protein show decreased enzyme activity, increased affinity for G6P and decreased in vitro thermostability (Moiz 2012, Molou 2014, Vulliamy 1988). This variant is reported in ClinVar (Variation ID: 100057). This variant is found predominantly in the South Asian population with an allele frequency of 1.7% (331/19,078 alleles, including 4 homozygotes and 211 hemizygotes) in the Genome Aggregation Database (v2.1.1). Computational analyses predict that this variant is deleterious (REVEL: 0.811). Based on available information, this variant is considered to be pathogenic. References: Hellani A et al. G6PD Mediterranean S188F codon mutation is common among Saudi sickle cell patients and increases the risk of stroke. Genet Test Mol Biomarkers. 2009 Aug;13(4):449-52. Jamornthanyawat N et al. A population survey of the glucose-6-phosphate dehydrogenase (G6PD) 563C>T (Mediterranean) mutation in Afghanistan. PLoS One. 2014 Feb 21;9(2):e88605. Kaplan M et al. Gilbert syndrome and glucose-6-phosphate dehydrogenase deficiency: a dose-dependent genetic interaction crucial to neonatal hyperbilirubinemia. Proc Natl Acad Sci U S A. 1997 Oct 28;94(22):12128-32. Moiz B et al. Neonatal hyperbilirubinemia in infants with G6PD c.563C > T Variant. BMC Pediatr. 2012 Aug 20;12:126. Molou E et al. Glucose-6-Phosphate Dehydrogenase (G6PD) deficiency in Greek newborns: the Mediterranean C563T mutation screening. Scand J Clin Lab Invest. 2014 Apr;74(3):259-63. Vulliamy TJ et al. Diverse point mutations in the human glucose-6-phosphate dehydrogenase gene cause enzyme deficiency and mild or severe hemolytic anemia. Proc Natl Acad Sci U S A. 1988 Jul;85(14):5171-5.

MVZ Martinsried, Medicover Genetics
Classification: Pathogenic for G6PD deficiency. Last evaluated: 2025-04-28. Review status: criteria provided, single submitter. Criteria: ACGS Guidelines, 2020. Collection method: clinical testing. Allele origin: inherited. Observed: 1 hemizygote.

First Genomix Gene Laboratory, Genetic Diagnostics Department
Classification: Pathogenic for Anemia, nonspherocytic hemolytic, due to G6PD deficiency. Last evaluated: 2025-04-11. Review status: criteria provided, single submitter. Criteria: ACMG Guidelines, 2015. Collection method: clinical testing. Allele origin: germline. Inheritance: X-linked inheritance. Affected: no. Observed: 1 variant allele.

Variantyx, Inc.
Classification: Pathogenic for Anemia, nonspherocytic hemolytic, due to G6PD deficiency. Last evaluated: 2025-03-21. Review status: criteria provided, single submitter. Criteria: Variantyx Assertion Criteria 2022. Collection method: clinical testing. Allele origin: maternal.
Comment: This is a nonsynonymous variant in the G6PD gene (OMIM: 305900). This variant is also known as c.563C>T (p.Ser188Phe) or called G6PD Mediterranean. It is the most common cause of G6PD deficiency in many populations, and the frequency of this variant in affected individuals is significantly increased compared to controls (PMID: 8611726, 15315792, 16119988, 1978554, 22018328, 24586352) (PS4). Functional studies have shown that this variant alters G6PD protein function and reduce enzyme activity in red blood cells compared to wild type (PMID: 3393536, 22906047, 24460025). Multiple computational algorithms predict a deleterious effect for this substitution (PP3). This variant has a 1.7354% maximum allele frequency in non-founder control populations. Based on the current evidence, this variant is classified as pathogenic for X-linked Hemolytic anemia due to G6PD deficiency (favism).Individuals with G6PD deficiency may be asymptomatic most of the time, but exposure to certain triggers such as infections, fava beans, and certain drugs can result in episodes of hemolytic anemia which may require clinical attention (PMID: 26417175).

Department of Genetics and Molecular Biology, Isfahan University of Medical Sciences
Classification: Likely pathogenic for Granulomatous disease, chronic, X-linked. Last evaluated: 2024-11-20. Review status: criteria provided, single submitter. Criteria: ACMG Guidelines, 2015. Collection method: clinical testing. Allele origin: germline. Inheritance: X-linked inheritance. Affected: yes. Observed: 1 hemizygote.
Comment: The G6PD c.563C>T variant is a non-truncating missense change located in a well-established functional domain and a mutational hotspot in exon 6, where multiple pathogenic or likely pathogenic variants have been reported and no benign missense variants are observed (PM1). The variant is extremely rare in population databases, meeting the PM2 criterion. Missense variation is a common disease mechanism for G6PD, with a high number of pathogenic missense variants compared to benign ones and significant intolerance to missense variation, supporting PP2. In silico prediction tools consistently indicate a deleterious effect on protein function (PP3). Additionally, this variant has been reported as pathogenic by reputable sources,supporting PP5. In summary, the G6PD c.563C>T variant is classified as Likely Pathogenic based on ACMG criteria.

Blueprint Genetics
Classification: Pathogenic for G6PD-related disorders. Last evaluated: 2024-11-15. Review status: criteria provided, single submitter. Criteria: ACMG Guidelines, 2015. Collection method: clinical testing. Allele origin: germline. Affected: yes. Observed: 5 variant alleles.

Institute of Human Genetics, University of Leipzig Medical Center
Classification: Pathogenic for Anemia, nonspherocytic hemolytic, due to G6PD deficiency. Last evaluated: 2024-10-28. Review status: criteria provided, single submitter. Criteria: ACMG Guidelines, 2015. Collection method: clinical testing. Allele origin: unknown. Inheritance: X-linked dominant inheritance. Affected: yes.
Comment: Criteria applied: PS3,PS4,PP3,PP4

Revvity Omics, Revvity
Classification: Pathogenic for Anemia, nonspherocytic hemolytic, due to G6PD deficiency. Last evaluated: 2024-10-22. Review status: criteria provided, single submitter. Criteria: ACMG Guidelines, 2015. Collection method: clinical testing. Allele origin: germline.